The following is an entry in ClinVar:

NM_006231.4(POLE):c.6252A>G (p.Ser2084=)

Gene: POLE (DNA polymerase epsilon, catalytic subunit; minus strand). Cytogenetic location: 12q24.33.
Variant type: single nucleotide variant.
Coding change: c.6252A>G on transcript NM_006231.4 (MANE Select); coding-DNA position 6252, A replaced by G.
Protein change: p.Ser2084=; no amino-acid change (serine 2084 retained).
Molecular consequence: synonymous variant.
Genome position (GRCh38, 1-based): chr12:132,632,393, T>C on the plus strand (A>G on the coding strand, the complement: POLE is on the minus strand). VCF-style: chr12-132632393-T-C. GRCh37 (hg19) VCF-style: chr12-133208979-T-C.
Other names: p.Ser2084=.
Identifiers: ClinVar variation 380217 (VCV000380217.45), dbSNP rs5745022, ClinGen allele CA6892242.

ClinVar aggregate classification (germline): Benign. Review status: criteria provided, multiple submitters, no conflicts (2 of 4 stars). 15 submissions from 14 submitters: Benign (13). 2 of the submissions do not count toward it. Last evaluated 2026-02-04.

Conditions:
Facial dysmorphism-immunodeficiency-livedo-short stature syndrome. Also called: Facial dysmorphism, immunodeficiency, livedo, and short stature; FILS syndrome. Identifiers: Orphanet 352712, MedGen C3554576, MONDO:0014058, OMIM 615139.
Hereditary cancer-predisposing syndrome. Also called: Tumor predisposition; Neoplastic Syndromes, Hereditary; Hereditary neoplastic syndrome; Hereditary Cancer Syndrome. Identifiers: Orphanet 140162, MedGen C0027672, MeSH D009386, MONDO:0015356.
Intrauterine growth retardation, metaphyseal dysplasia, adrenal hypoplasia congenita, genital anomalies, and immunodeficiency. Also called: IMAGEI SYNDROME. Identifiers: MedGen C5193036, MONDO:0032684, OMIM 618336.
Colorectal cancer, susceptibility to, 12 (CRCS12). Also called: COLORECTAL CANCER, SUSCEPTIBILITY TO, ON CHROMOSOME 12q24. Identifiers: Orphanet 220460, MedGen C3554460, MONDO:0014038, OMIM 615083.

Allele frequency attached by ClinVar (database versions not stated): gnomAD exomes 0.60274 and 0.64363; ExAC 0.63814; ESP Exome Variant Server 0.64270; gnomAD 0.65976 and 0.66039; TOPMed 0.67498; 1000 Genomes Project 0.69908; 1000 Genomes Project 30x 0.70362.

Submissions (15):

Labcorp Genetics (formerly Invitae), Labcorp
Classification: Benign. Last evaluated: 2026-02-04. Review status: criteria provided, single submitter. Criteria: Invitae Variant Classification Sherloc (09022015). Collection method: clinical testing. Allele origin: germline.

ARUP Laboratories, Molecular Genetics and Genomics, ARUP Laboratories
Classification: Benign. Last evaluated: 2025-07-30. Review status: criteria provided, single submitter. Criteria: ARUP Molecular Germline Variant Investigation Process 2024. Collection method: clinical testing. Allele origin: germline.

Blueprint Genetics
Classification: Benign. Last evaluated: 2024-11-27. Review status: criteria provided, single submitter. Criteria: ACMG Guidelines, 2015. Collection method: clinical testing. Allele origin: germline.

KCCC/NGS Laboratory, Kuwait Cancer Control Center
Classification: Benign for Colorectal cancer, susceptibility to, 12. Last evaluated: 2023-07-07. Review status: criteria provided, single submitter. Criteria: ACMG Guidelines, 2015. Collection method: clinical testing. Allele origin: germline. Affected: yes.

Mayo Clinic Laboratories, Mayo Clinic
Classification: Benign. Last evaluated: 2022-05-05. Review status: criteria provided, single submitter. Criteria: ACMG Guidelines, 2015. Collection method: clinical testing. Allele origin: germline. Observed: 595 variant alleles.

Genome-Nilou Lab
Classification: Benign for Facial dysmorphism-immunodeficiency-livedo-short stature syndrome. Last evaluated: 2021-10-25. Review status: criteria provided, single submitter. Criteria: ACMG Guidelines, 2015. Collection method: clinical testing. Allele origin: germline. Affected: no.

Genome-Nilou Lab
Classification: Benign for Intrauterine growth retardation, metaphyseal dysplasia, adrenal hypoplasia congenita, genital anomalies, and immunodeficiency. Last evaluated: 2021-10-25. Review status: criteria provided, single submitter. Criteria: ACMG Guidelines, 2015. Collection method: clinical testing. Allele origin: germline. Affected: no.

PreventionGenetics, part of Exact Sciences
Classification: Benign. Last evaluated: 2016-10-17. Review status: criteria provided, single submitter. Criteria: ACMG Guidelines, 2015. Collection method: clinical testing. Allele origin: germline.

Women's Health and Genetics/Laboratory Corporation of America, LabCorp
Classification: Benign. Last evaluated: 2016-08-17. Review status: criteria provided, single submitter. Criteria: LabCorp Variant Classification Summary - May 2015. Collection method: clinical testing. Allele origin: germline.
Comment: Variant summary: The c.6252G>A (p.Ser2084=) in POLE gene is a synonymous change that involves a non-conserved nucleotide. 5/5 programs in Alamut predict that this variant does not affect normal splicing, however no functional studies supporting this notion were published at the time of evaluation. The variant is present in the control population dataset of ExAC at frequency of 0.638 (77431/1211338 chrs tested) including numerous homozygous occurrences. The variant of interest has not, to our knowledge, been reported in affected individuals or cited by reputable databases/clinical laboratories. Taking together, based on the prevalence of this variant in general population the variant was classified as Benign.

Laboratory for Molecular Medicine, Mass General Brigham Personalized Medicine
Classification: Benign. Last evaluated: 2016-03-29. Review status: criteria provided, single submitter. Criteria: LMM Criteria. Collection method: clinical testing. Allele origin: germline. Observed: 2 variant alleles.
Comment: Disclaimer: This variant has not undergone full assessment. The following are pr eliminary notes: Frequency

GeneDx
Classification: Benign. Last evaluated: 2015-10-30. Review status: criteria provided, single submitter. Criteria: GeneDx Variant Classification (06012015). Collection method: clinical testing. Allele origin: germline. Affected: yes.
Comment: This variant is considered likely benign or benign based on one or more of the following criteria: it is a conservative change, it occurs at a poorly conserved position in the protein, it is predicted to be benign by multiple in silico algorithms, and/or has population frequency not consistent with disease.

Ambry Genetics
Classification: Benign for Hereditary cancer-predisposing syndrome. Last evaluated: 2015-05-20. Review status: criteria provided, single submitter. Criteria: Ambry Variant Classification Scheme 2023. Collection method: clinical testing. Allele origin: germline.

Breakthrough Genomics
Classification: Benign. Review status: criteria provided, single submitter. Criteria: ACMG Guidelines, 2015. Collection method: not provided. Allele origin: germline. Inheritance: Autosomal recessive inheritance. Affected: yes.

Clinical Genetics, Academic Medical Center
Classification: Benign. Review status: no assertion criteria provided. Collection method: clinical testing. Allele origin: germline. Affected: yes. Study: VKGL Data-share Consensus. Not counted in ClinVar's aggregate classification.

Joint Genome Diagnostic Labs from Nijmegen and Maastricht, Radboudumc and MUMC+
Classification: Benign. Review status: no assertion criteria provided. Collection method: clinical testing. Allele origin: germline. Affected: yes. Study: VKGL Data-share Consensus. Not counted in ClinVar's aggregate classification.